The following is an entry in ClinVar:

ClinVar aggregate classification (germline): Uncertain significance. Review status: criteria provided, multiple submitters, no conflicts (2 of 4 stars). 7 submissions from 7 submitters: Uncertain significance (4). 3 of the submissions do not count toward it. Last evaluated 2023-06-12.

Conditions:
Fraser syndrome 1 (FRASRS1). Also called: CRYPTOPHTHALMOS WITH OTHER MALFORMATIONS. Identifiers: Orphanet 2052, MedGen C4551480, MONDO:0054737, OMIM 219000.

Allele frequency attached by ClinVar (database versions not stated): TOPMed 0.00059; gnomAD 0.00067 and 0.00061; ESP Exome Variant Server 0.00072; gnomAD exomes 0.00047 and 0.00123; ExAC 0.00034.
gnomAD v4.1: 1,832 of 1,613,582 alleles (0.11%); highest among the groups gnomAD compares: Non-Finnish European, 0.15%; 4 homozygotes.

Submissions (7):

GeneDx
Classification: Uncertain significance. Last evaluated: 2023-06-12. Review status: criteria provided, single submitter. Criteria: GeneDx Variant Classification Process June 2021. Collection method: clinical testing. Allele origin: germline.
Comment: In silico analysis supports that this missense variant has a deleterious effect on protein structure/function; Has not been previously published as pathogenic or benign to our knowledge

Labcorp Genetics (formerly Invitae), Labcorp
Classification: Uncertain significance. Last evaluated: 2022-08-06. Review status: criteria provided, single submitter. Criteria: Invitae Variant Classification Sherloc (09022015). Collection method: clinical testing. Allele origin: germline.
Comment: This sequence change replaces asparagine, which is neutral and polar, with serine, which is neutral and polar, at codon 2408 of the FRAS1 protein (p.Asn2408Ser). This variant is present in population databases (rs201277074, gnomAD 0.1%), and has an allele count higher than expected for a pathogenic variant. This variant has not been reported in the literature in individuals affected with FRAS1-related conditions. ClinVar contains an entry for this variant (Variation ID: 349751). Algorithms developed to predict the effect of missense changes on protein structure and function are either unavailable or do not agree on the potential impact of this missense change (SIFT: "Deleterious"; PolyPhen-2: "Benign"; Align-GVGD: "Class C45"). In summary, the available evidence is currently insufficient to determine the role of this variant in disease. Therefore, it has been classified as a Variant of Uncertain Significance.

Department of Pathology and Laboratory Medicine, Sinai Health System
Classification: Uncertain significance for Fraser syndrome 1. Last evaluated: 2021-11-29. Review status: criteria provided, single submitter. Criteria: ACMG Guidelines, 2015. Collection method: research. Allele origin: germline.

Illumina Laboratory Services, Illumina
Classification: Uncertain significance for Fraser syndrome 1. Last evaluated: 2018-01-13. Review status: criteria provided, single submitter. Criteria: ICSL Variant Classification Criteria 13 December 2019. Collection method: clinical testing. Allele origin: germline.

Clinical Genetics DNA and cytogenetics Diagnostics Lab, Erasmus MC, Erasmus Medical Center
Classification: Uncertain significance. Review status: no assertion criteria provided. Collection method: clinical testing. Allele origin: germline. Affected: yes. Study: VKGL Data-share Consensus. Not counted in ClinVar's aggregate classification.

Diagnostic Laboratory, Department of Genetics, University Medical Center Groningen
Classification: Uncertain significance. Review status: no assertion criteria provided. Collection method: clinical testing. Allele origin: germline. Affected: yes. Study: VKGL Data-share Consensus. Not counted in ClinVar's aggregate classification.

Laboratory of Diagnostic Genome Analysis, Leiden University Medical Center (LUMC)
Classification: Uncertain significance. Review status: no assertion criteria provided. Collection method: clinical testing. Allele origin: germline. Affected: yes. Study: VKGL Data-share Consensus. Not counted in ClinVar's aggregate classification.

NM_025074.7(FRAS1):c.7223A>G (p.Asn2408Ser)

Gene: FRAS1 (Fraser extracellular matrix complex subunit 1; plus strand). Cytogenetic location: 4q21.21.
Variant type: single nucleotide variant.
Coding change: c.7223A>G on transcript NM_025074.7 (MANE Select); coding-DNA position 7223, A replaced by G.
Protein change: p.Asn2408Ser; replaces asparagine 2408 with serine.
Molecular consequence: missense variant.
Genome position (GRCh38, 1-based): chr4:78,466,401, A>G. VCF-style: chr4-78466401-A-G. GRCh37 (hg19) VCF-style: chr4-79387555-A-G.
Other names: short protein forms N2408S.
Identifiers: ClinVar variation 349751 (VCV000349751.12), dbSNP rs201277074, ClinGen allele CA2978013.